The following is an entry in ClinVar:

ClinVar aggregate classification (germline): Uncertain significance (1 of 4 stars; one submission).

Submission:

Ambry Genetics
Classification: Uncertain significance. Last evaluated: 2023-09-23. Review status: criteria provided, single submitter. Criteria: Ambry Variant Classification Scheme 2023. Collection method: clinical testing. Allele origin: germline.
Comment: The p.K222E variant (also known as c.664A>G), located in coding exon 5 of the RINT1 gene, results from an A to G substitution at nucleotide position 664. The lysine at codon 222 is replaced by glutamic acid, an amino acid with similar properties. This amino acid position is conserved. In addition, this alteration is predicted to be tolerated by in silico analysis. Since supporting evidence is limited at this time, the clinical significance of this alteration remains unclear.

NM_021930.6(RINT1):c.664A>G (p.Lys222Glu)

Gene: RINT1 (RAD50 interactor 1; plus strand). Cytogenetic location: 7q22.3.
Variant type: single nucleotide variant.
Coding change: c.664A>G on transcript NM_021930.6 (MANE Select); coding-DNA position 664, A replaced by G.
Protein change: p.Lys222Glu; replaces lysine 222 with glutamic acid.
Molecular consequence: missense variant. On other transcripts: 5 prime UTR variant (2), non-coding transcript variant (1), intron variant (1).
Genome position (GRCh38, 1-based): chr7:105,547,058, A>G. VCF-style: chr7-105547058-A-G. GRCh37 (hg19) VCF-style: chr7-105187505-A-G.
Other names: c.430A>G, p.Lys144Glu (NM_001346599.2); c.-356A>G (NM_001346600.2); c.-259A>G (NM_001346601.2); c.-27-2997A>G (NM_001346603.2); short protein forms K144E, K222E.
Identifiers: ClinVar variation 3227665 (VCV003227665.1), dbSNP rs2485123128, ClinGen allele CA368805983.